The following is an entry in ClinVar:

NM_001370658.1(BTD):c.419G>C (p.Cys140Ser)

Gene: BTD (biotinidase; plus strand). Cytogenetic location: 3p25.1.
Variant type: single nucleotide variant.
Coding change: c.419G>C on transcript NM_001370658.1 (MANE Select); coding-DNA position 419, G replaced by C.
Protein change: p.Cys140Ser; replaces cysteine 140 with serine.
Molecular consequence: missense variant. On other transcripts: intron variant (6).
Genome position (GRCh38, 1-based): chr3:15,644,335, G>C. VCF-style: chr3-15644335-G-C. GRCh37 (hg19) VCF-style: chr3-15685842-G-C.
Other names: c.419G>C, p.Cys140Ser (NM_001281723.4, NM_001281724.3, NM_001281725.3 and 18 more transcripts); c.399+2278G>C (NM_001370753.1, NM_001407400.1, NM_001407380.1 and 3 more transcripts); short protein forms C140S.
Identifiers: ClinVar variation 2784787 (VCV002784787.3), dbSNP rs745343884, ClinGen allele CA351606173.

ClinVar aggregate classification (germline): Likely pathogenic (1 of 4 stars; one submission).

Conditions:
Biotinidase deficiency. Also called: BTD deficiency; Late-onset biotin-responsive multiple carboxylase deficiency; Biotin deficiency. Identifiers: Orphanet 79241, MedGen C0220754, MONDO:0009665, OMIM 253260.

Allele frequency attached by ClinVar (database versions not stated): TOPMed 0.00001.
gnomAD v4.1: 6 of 1,613,794 alleles (0.00037%); highest among the groups gnomAD compares: South Asian, 0.0011%; no homozygotes.

Submission:

Labcorp Genetics (formerly Invitae), Labcorp
Classification: Likely pathogenic for Biotinidase deficiency. Last evaluated: 2024-02-11. Review status: criteria provided, single submitter. Criteria: Invitae Variant Classification Sherloc (09022015). Collection method: clinical testing. Allele origin: germline.
Comment: This sequence change replaces cysteine, which is neutral and slightly polar, with serine, which is neutral and polar, at codon 160 of the BTD protein (p.Cys160Ser). This variant is present in population databases (no rsID available, gnomAD 0.0009%). This variant has not been reported in the literature in individuals affected with BTD-related conditions. Advanced modeling of protein sequence and biophysical properties (such as structural, functional, and spatial information, amino acid conservation, physicochemical variation, residue mobility, and thermodynamic stability) performed at Invitae indicates that this missense variant is expected to disrupt BTD protein function with a positive predictive value of 95%. This variant disrupts the p.Cys160 amino acid residue in BTD. Other variant(s) that disrupt this residue have been determined to be pathogenic (PMID: 25174816, 31337602). This suggests that this residue is clinically significant, and that variants that disrupt this residue are likely to be disease-causing. In summary, the currently available evidence indicates that the variant is pathogenic, but additional data are needed to prove that conclusively. Therefore, this variant has been classified as Likely Pathogenic.

Literature cited by the submitters: PubMed 25174816; PubMed 31337602.